The following is an entry in ClinVar:

NM_000094.4(COL7A1):c.7286C>T (p.Pro2429Leu)

Gene: COL7A1 (collagen type VII alpha 1 chain; minus strand). Cytogenetic location: 3p21.31.
Variant type: single nucleotide variant.
Coding change: c.7286C>T on transcript NM_000094.4 (MANE Select); coding-DNA position 7286, C replaced by T.
Protein change: p.Pro2429Leu; replaces proline 2429 with leucine.
Molecular consequence: missense variant.
Genome position (GRCh38, 1-based): chr3:48,570,697, G>A on the plus strand (C>T on the coding strand, the complement: COL7A1 is on the minus strand). VCF-style: chr3-48570697-G-A. GRCh37 (hg19) VCF-style: chr3-48608130-G-A.
Other names: short protein forms P2429L.
Identifiers: ClinVar variation 345810 (VCV000345810.20), dbSNP rs2229822, ClinGen allele CA2378570.

ClinVar aggregate classification (germline): Benign/Likely benign. Review status: criteria provided, multiple submitters, no conflicts (2 of 4 stars). 6 submissions from 6 submitters: Benign (2); Likely benign (2). 2 of the submissions do not count toward it. Last evaluated 2026-01-28.

Conditions:
COL7A1-related disorder. Also called: COL7A1- related disorders; COL7A1-related condition.
Epidermolysis bullosa pruriginosa. Also called: DEB, PRURIGINOSA; DYSTROPHIC EPIDERMOLYSIS BULLOSA PRURIGINOSA. Identifiers: Orphanet 89843, MedGen C1275114, MONDO:0011398, OMIM 604129.
Transient bullous dermolysis of the newborn (TBDN). Also called: DYSTROPHIC EPIDERMOLYSIS BULLOSA, NEONATAL; EPIDERMOLYSIS BULLOSA DYSTROPHICA, NEONATAL FORM. Identifiers: Orphanet 79411, MedGen C1851573, MONDO:0007548, OMIM 131705.
Generalized dominant dystrophic epidermolysis bullosa (DDEB). Also called: DDEB, generalized; DDEB-gen; DYSTROPHIC EPIDERMOLYSIS BULLOSA, AUTOSOMAL DOMINANT; Epidermolysis bullosa dystrophica, autosomal dominant; Dominant DEB (DDEB). Identifiers: Orphanet 231568, MedGen C0432322, MONDO:0007549, OMIM 131750.
Recessive dystrophic epidermolysis bullosa (RDEB). Also called: DYSTROPHIC EPIDERMOLYSIS BULLOSA, AUTOSOMAL RECESSIVE; EPIDERMOLYSIS BULLOSA DYSTROPHICA, HALLOPEAU-SIEMENS TYPE; EPIDERMOLYSIS BULLOSA DYSTROPHICA, GENERALIZED SEVERE, AUTOSOMAL RECESSIVE; epidermolysis bullosa dystrophica, autosomal recessive; Recessive DEB (RDEB); Hallopeau-Siemens Disease. Identifiers: Orphanet 79408, Orphanet 79409, MedGen C0079474, MONDO:0009179, OMIM 226600.
Pretibial dystrophic epidermolysis bullosa. Also called: EPIDERMOLYSIS BULLOSA DYSTROPHICA, PRETIBIAL; Pretibial epidermolysis bullosa; Pretibial blistering. Identifiers: Orphanet 79410, MedGen C0432321, MONDO:0007552, OMIM 131850, HP:0012221.
Dominant dystrophic epidermolysis bullosa with absence of skin. Also called: EPIDERMOLYSIS BULLOSA WITH CONGENITAL LOCALIZED ABSENCE OF SKIN AND DEFORMITY OF NAILS; EPIDERMOLYSIS BULLOSA DYSTROPHICA, BART TYPE. Identifiers: MedGen C0268371, MONDO:0007557, OMIM 132000.
Nonsyndromic congenital nail disorder 8. Also called: TOENAIL DYSTROPHY, ISOLATED. Identifiers: MedGen C1843761, MONDO:0011852, OMIM 607523.
Epidermolysis bullosa dystrophica. Also called: Dystrophic epidermolysis bullosa, Hallopeau-Siemens type (formerly); Dystrophic epidermolysis bullosa. Identifiers: Orphanet 303, MedGen C0079294, MONDO:0006543.

Allele frequency attached by ClinVar (database versions not stated): gnomAD exomes 0.00045 and 0.00101; ExAC 0.00205; ESP Exome Variant Server 0.00416; gnomAD 0.00440 and 0.00472; 1000 Genomes Project 0.00459; 1000 Genomes Project 30x 0.00468; TOPMed 0.00530.
gnomAD v4.1: 1,333 of 1,580,330 alleles (0.084%); highest among the groups gnomAD compares: African/African-American, 1.7%; 13 homozygotes.

Submissions (6):

Labcorp Genetics (formerly Invitae), Labcorp
Classification: Benign. Last evaluated: 2026-01-28. Review status: criteria provided, single submitter. Criteria: Invitae Variant Classification Sherloc (09022015). Collection method: clinical testing. Allele origin: germline.

Blueprint Genetics
Classification: Likely benign. Last evaluated: 2024-08-28. Review status: criteria provided, single submitter. Criteria: ACMG Guidelines, 2015. Collection method: clinical testing. Allele origin: germline.

Fulgent Genetics
Classification: Likely benign for Transient bullous dermolysis of the newborn; Generalized dominant dystrophic epidermolysis bullosa; Pretibial dystrophic epidermolysis bullosa; Dominant dystrophic epidermolysis bullosa with absence of skin; Recessive dystrophic epidermolysis bullosa; Epidermolysis bullosa pruriginosa; Nonsyndromic congenital nail disorder 8. Last evaluated: 2021-09-13. Review status: criteria provided, single submitter. Criteria: ACMG Guidelines, 2015. Collection method: clinical testing. Allele origin: unknown.

Illumina Laboratory Services, Illumina
Classification: Benign for Dystrophic epidermolysis bullosa. Last evaluated: 2018-01-12. Review status: criteria provided, single submitter. Criteria: ICSL Variant Classification Criteria 13 December 2019. Collection method: clinical testing. Allele origin: germline.
Comment: This variant was observed in the ICSL laboratory as part of a predisposition screen in an ostensibly healthy population. It had not been previously curated by ICSL or reported in the Human Gene Mutation Database (HGMD: prior to June 1st, 2018), and was therefore a candidate for classification through an automated scoring system. Utilizing variant allele frequency, disease prevalence and penetrance estimates, and inheritance mode, an automated score was calculated to assess if this variant is too frequent to cause the disease. Based on the score and internal cut-off values, a variant classified as benign is not then subjected to further curation. The score for this variant resulted in a classification of benign for this disease.

Natera, Inc.
Classification: Benign for Dystrophic epidermolysis bullosa. Last evaluated: 2020-06-04. Review status: no assertion criteria provided. Collection method: clinical testing. Allele origin: germline. Not counted in ClinVar's aggregate classification.

PreventionGenetics, part of Exact Sciences
Classification: Benign for COL7A1-related condition. Last evaluated: 2019-06-14. Review status: no assertion criteria provided. Collection method: clinical testing. Allele origin: germline. Not counted in ClinVar's aggregate classification.
Comment: This variant is classified as benign based on ACMG/AMP sequence variant interpretation guidelines (Richards et al. 2015 PMID: 25741868, with internal and published modifications).